The following is an entry in ClinVar:

ClinVar aggregate classification (germline): Likely benign. Review status: criteria provided, multiple submitters, no conflicts (2 of 4 stars). 3 submissions from 3 submitters: Likely benign (2). 1 of the submissions does not count toward it. Last evaluated 2025-11-23.

Conditions:
ZNF408-related disorder. Also called: ZNF408-related condition.

Allele frequency attached by ClinVar (database versions not stated): 1000 Genomes Project 30x 0.00016; 1000 Genomes Project 0.00020; TOPMed 0.00022; gnomAD 0.00027 and 0.00030; ExAC 0.00030; ESP Exome Variant Server 0.00031; gnomAD exomes 0.00032 and 0.00050.
gnomAD v4.1: 761 of 1,612,810 alleles (0.047%); highest among the groups gnomAD compares: Non-Finnish European, 0.059%; no homozygotes.

Submissions (3):

Labcorp Genetics (formerly Invitae), Labcorp
Classification: Likely benign. Last evaluated: 2025-11-23. Review status: criteria provided, single submitter. Criteria: Invitae Variant Classification Sherloc (09022015). Collection method: clinical testing. Allele origin: germline.

Blueprint Genetics
Classification: Likely benign. Last evaluated: 2024-09-23. Review status: criteria provided, single submitter. Criteria: ACMG Guidelines, 2015. Collection method: clinical testing. Allele origin: germline.

PreventionGenetics, part of Exact Sciences
Classification: Likely benign for ZNF408-related condition. Last evaluated: 2019-03-05. Review status: no assertion criteria provided. Collection method: clinical testing. Allele origin: germline. Not counted in ClinVar's aggregate classification.
Comment: This variant is classified as likely benign based on ACMG/AMP sequence variant interpretation guidelines (Richards et al. 2015 PMID: 25741868, with internal and published modifications).

NM_024741.3(ZNF408):c.1362G>T (p.Leu454=)

Gene: ZNF408 (zinc finger protein 408; plus strand). Cytogenetic location: 11p11.2.
Variant type: single nucleotide variant.
Coding change: c.1362G>T on transcript NM_024741.3 (MANE Select); coding-DNA position 1362, G replaced by T.
Protein change: p.Leu454=; no amino-acid change (leucine 454 retained).
Molecular consequence: synonymous variant.
Genome position (GRCh38, 1-based): chr11:46,705,062, G>T. VCF-style: chr11-46705062-G-T. GRCh37 (hg19) VCF-style: chr11-46726612-G-T.
Other names: c.1338G>T, p.Leu446= (NM_001184751.2); c.1362G>T (NM_024741.2).
Identifiers: ClinVar variation 1130263 (VCV001130263.12), dbSNP rs150894525, ClinGen allele CA5966552.